The following is an entry in ClinVar:

NM_000081.4(LYST):c.6163C>A (p.Leu2055Met)

Gene: LYST (lysosomal trafficking regulator; minus strand). Cytogenetic location: 1q42.3.
Variant type: single nucleotide variant.
Coding change: c.6163C>A on transcript NM_000081.4 (MANE Select); coding-DNA position 6163, C replaced by A.
Protein change: p.Leu2055Met; replaces leucine 2055 with methionine.
Molecular consequence: missense variant.
Genome position (GRCh38, 1-based): chr1:235,762,810, G>T on the plus strand (C>A on the coding strand, the complement: LYST is on the minus strand). VCF-style: chr1-235762810-G-T. GRCh37 (hg19) VCF-style: chr1-235926110-G-T.
Other names: c.6163C>A, p.Leu2055Met (NM_001301365.1); short protein forms L2055M.
Identifiers: ClinVar variation 838180 (VCV000838180.9), dbSNP rs1667722747, ClinGen allele CA344945550.

ClinVar aggregate classification (germline): Uncertain significance (1 of 4 stars; one submission).

Conditions:
Chédiak-Higashi syndrome (CHS). Also called: Chediak-Higashi Syndrome. Identifiers: Orphanet 167, MedGen C0007965, MONDO:0008963, OMIM 214500.

Submission:

Labcorp Genetics (formerly Invitae), Labcorp
Classification: Uncertain significance for Chédiak-Higashi syndrome. Last evaluated: 2022-02-03. Review status: criteria provided, single submitter. Criteria: Invitae Variant Classification Sherloc (09022015). Collection method: clinical testing. Allele origin: germline.
Comment: In summary, the available evidence is currently insufficient to determine the role of this variant in disease. Therefore, it has been classified as a Variant of Uncertain Significance. Algorithms developed to predict the effect of missense changes on protein structure and function are either unavailable or do not agree on the potential impact of this missense change (SIFT: "Tolerated"; PolyPhen-2: "Probably Damaging"; Align-GVGD: "Class C0"). ClinVar contains an entry for this variant (Variation ID: 838180). This variant has not been reported in the literature in individuals affected with LYST-related conditions. This variant is not present in population databases (gnomAD no frequency). This sequence change replaces leucine, which is neutral and non-polar, with methionine, which is neutral and non-polar, at codon 2055 of the LYST protein (p.Leu2055Met).